The following is an entry in ClinVar:

NM_173660.5(DOK7):c.1435G>A (p.Gly479Ser)

Gene: DOK7 (docking protein 7; plus strand). Cytogenetic location: 4p16.3.
Variant type: single nucleotide variant.
Coding change: c.1435G>A on transcript NM_173660.5 (MANE Select); coding-DNA position 1435, G replaced by A.
Protein change: p.Gly479Ser; replaces glycine 479 with serine.
Molecular consequence: missense variant. On other transcripts: 3 prime UTR variant (1).
Genome position (GRCh38, 1-based): chr4:3,493,421, G>A. VCF-style: chr4-3493421-G-A. GRCh37 (hg19) VCF-style: chr4-3495148-G-A.
Other names: p.Gly479Ser; c.*656G>A (NM_001164673.2); c.505G>A, p.Gly169Ser (NM_001256896.2); c.1435G>A, p.Gly479Ser (NM_001301071.2); c.1003G>A, p.Gly335Ser (NM_001363811.2); short protein forms G479S, G169S, G335S.
Identifiers: ClinVar variation 1379883 (VCV001379883.6), dbSNP rs140519765, ClinGen allele CA2829519.

ClinVar aggregate classification (germline): Uncertain significance. Review status: criteria provided, multiple submitters, no conflicts (2 of 4 stars). 2 submissions from 2 submitters: Uncertain significance (2). Last evaluated 2025-11-12.

Conditions:
Congenital myasthenic syndrome 10. Also called: Myasthenia, limb-girdle, familial. Identifiers: Orphanet 590, MedGen C1850792, MONDO:0009690, OMIM 254300.
Fetal akinesia deformation sequence 1 (FADS1). Also called: Fetal akinesia sequence; Pena-Shokeir syndrome type I. Identifiers: Orphanet 994, MedGen C1276035, MONDO:0100101, OMIM 208150, HP:0001989.

Allele frequency attached by ClinVar (database versions not stated): gnomAD 0.00006 and 0.00007; gnomAD exomes 0.00006 and 0.00007; TOPMed 0.00006; ExAC 0.00014; 1000 Genomes Project 30x 0.00031; 1000 Genomes Project 0.00040.
gnomAD v4.1: 96 of 1,600,592 alleles (0.006%); highest among the groups gnomAD compares: East Asian, 0.11%; no homozygotes.

Submissions (2):

Mayo Clinic Laboratories, Mayo Clinic
Classification: Uncertain significance. Last evaluated: 2025-11-12. Review status: criteria provided, single submitter. Criteria: ACMG Guidelines, 2015. Collection method: clinical testing. Allele origin: germline. Observed: 1 variant allele.
Comment: BP4_moderate

Labcorp Genetics (formerly Invitae), Labcorp
Classification: Uncertain significance for Congenital myasthenic syndrome 10; Fetal akinesia deformation sequence 1. Last evaluated: 2022-07-19. Review status: criteria provided, single submitter. Criteria: Invitae Variant Classification Sherloc (09022015). Collection method: clinical testing. Allele origin: germline.
Comment: This sequence change replaces glycine, which is neutral and non-polar, with serine, which is neutral and polar, at codon 479 of the DOK7 protein (p.Gly479Ser). This variant is present in population databases (rs140519765, gnomAD 0.04%). This variant has not been reported in the literature in individuals affected with DOK7-related conditions. ClinVar contains an entry for this variant (Variation ID: 1379883). Algorithms developed to predict the effect of missense changes on protein structure and function output the following: SIFT: "Tolerated"; PolyPhen-2: "Benign"; Align-GVGD: "Class C0". The serine amino acid residue is found in multiple mammalian species, which suggests that this missense change does not adversely affect protein function. In summary, the available evidence is currently insufficient to determine the role of this variant in disease. Therefore, it has been classified as a Variant of Uncertain Significance.